The following is an entry in ClinVar:

ClinVar aggregate classification (germline): Uncertain significance (1 of 4 stars; one submission).

gnomAD v4.1: 1 of 1,614,220 alleles (0.000062%); highest among the groups gnomAD compares: South Asian, 0.0011%; no homozygotes.

Submission:

Ambry Genetics
Classification: Uncertain significance. Last evaluated: 2025-06-25. Review status: criteria provided, single submitter. Criteria: Ambry Variant Classification Scheme 2023. Collection method: clinical testing. Allele origin: germline.
Comment: The p.Q1148R variant (also known as c.3443A>G), located in coding exon 13 of the CDK12 gene, results from an A to G substitution at nucleotide position 3443. The glutamine at codon 1148 is replaced by arginine, an amino acid with highly similar properties. This amino acid position is conserved. In addition, the in silico prediction for this alteration is inconclusive. Based on the available evidence, the clinical significance of this variant remains unclear.

NM_016507.4(CDK12):c.3443A>G (p.Gln1148Arg)

Gene: CDK12 (cyclin dependent kinase 12; plus strand). Cytogenetic location: 17q12.
Variant type: single nucleotide variant.
Coding change: c.3443A>G on transcript NM_016507.4 (MANE Select); coding-DNA position 3443, A replaced by G.
Protein change: p.Gln1148Arg; replaces glutamine 1148 with arginine.
Molecular consequence: missense variant.
Genome position (GRCh38, 1-based): chr17:39,525,999, A>G. VCF-style: chr17-39525999-A-G. GRCh37 (hg19) VCF-style: chr17-37682252-A-G.
Other names: c.3443A>G, p.Gln1148Arg (NM_015083.4); short protein forms Q1148R.
Identifiers: ClinVar variation 4224221 (VCV004224221.1).